The following is an entry in ClinVar:

ClinVar aggregate classification (germline): Uncertain significance (1 of 4 stars; one submission).

Conditions:
X-linked Emery-Dreifuss muscular dystrophy. Also called: Muscular dystrophy, tardive Emery-Dreifuss type, with contractures. Identifiers: Orphanet 261, Orphanet 98863, MedGen C0751337, MONDO:0010680.

Submission:

Labcorp Genetics (formerly Invitae), Labcorp
Classification: Uncertain significance for X-linked Emery-Dreifuss muscular dystrophy. Last evaluated: 2024-05-13. Review status: criteria provided, single submitter. Criteria: Invitae Variant Classification Sherloc (09022015). Collection method: clinical testing. Allele origin: germline.
Comment: This sequence change replaces lysine, which is basic and polar, with glutamic acid, which is acidic and polar, at codon 148 of the EMD protein (p.Lys148Glu). This variant is not present in population databases (gnomAD no frequency). This variant has not been reported in the literature in individuals affected with EMD-related conditions. Advanced modeling of protein sequence and biophysical properties (such as structural, functional, and spatial information, amino acid conservation, physicochemical variation, residue mobility, and thermodynamic stability) performed at Invitae indicates that this missense variant is not expected to disrupt EMD protein function with a negative predictive value of 80%. In summary, the available evidence is currently insufficient to determine the role of this variant in disease. Therefore, it has been classified as a Variant of Uncertain Significance.

NM_000117.3(EMD):c.442A>G (p.Lys148Glu)

Gene: EMD (emerin; plus strand). Cytogenetic location: Xq28.
Variant type: single nucleotide variant.
Coding change: c.442A>G on transcript NM_000117.3 (MANE Select); coding-DNA position 442, A replaced by G.
Protein change: p.Lys148Glu; replaces lysine 148 with glutamic acid.
Molecular consequence: missense variant.
Genome position (GRCh38, 1-based): chrX:154,380,795, A>G. VCF-style: chrX-154380795-A-G. GRCh37 (hg19) VCF-style: chrX-153609155-A-G.
Other names: short protein forms K148E.
Identifiers: ClinVar variation 3613518 (VCV003613518.2).